The following is an entry in ClinVar:

NM_015100.4(POGZ):c.976A>G (p.Thr326Ala)

Gene: POGZ (pogo transposable element derived with ZNF domain; minus strand). Cytogenetic location: 1q21.3.
Variant type: single nucleotide variant.
Coding change: c.976A>G on transcript NM_015100.4 (MANE Select); coding-DNA position 976, A replaced by G.
Protein change: p.Thr326Ala; replaces threonine 326 with alanine.
Molecular consequence: missense variant.
Genome position (GRCh38, 1-based): chr1:151,427,925, T>C on the plus strand (A>G on the coding strand, the complement: POGZ is on the minus strand). VCF-style: chr1-151427925-T-C. GRCh37 (hg19) VCF-style: chr1-151400401-T-C.
Other names: c.949A>G, p.Thr317Ala (NM_001194937.2); c.790A>G, p.Thr264Ala (NM_001194938.2); c.997A>G, p.Thr333Ala (NM_001410860.1); c.691A>G, p.Thr231Ala (NM_145796.4); c.817A>G, p.Thr273Ala (NM_207171.2); short protein forms T231A, T264A, T273A, T317A, T326A, T333A.
Identifiers: ClinVar variation 3375497 (VCV003375497.2).

ClinVar aggregate classification (germline): Uncertain significance (1 of 4 stars; one submission).

Submission:

GeneDx
Classification: Uncertain significance. Last evaluated: 2025-08-27. Review status: criteria provided, single submitter. Criteria: GeneDx Variant Classification Process June 2021. Collection method: clinical testing. Allele origin: germline.
Comment: Not observed at significant frequency in large population cohorts (gnomAD); In silico analysis suggests that this missense variant does not alter protein structure/function; Has not been previously published as pathogenic or benign to our knowledge